The following is an entry in ClinVar:

ClinVar aggregate classification (germline): Uncertain significance (1 of 4 stars; one submission).

Conditions:
Cataract 1 multiple types. Also called: CATARACT, DUFFY-LINKED; CATARACT 1, STELLATE NUCLEAR, WITH MICROCORNEA; CATARACT 1, MULTIPLE TYPES, WITH OR WITHOUT MICROCORNEA; CATARACT 1, NUCLEAR PROGRESSIVE; CATARACT 1 WITH MICROCORNEA; CATARACT 1, POSTERIOR SUBCAPSULAR, WITH MICROCORNEA. Identifiers: Orphanet 1377, MedGen C1861828, MONDO:0007285, OMIM 116200.

gnomAD v4.1: 1 of 1,614,222 alleles (0.000062%); highest among the groups gnomAD compares: Non-Finnish European, 0.000085%; no homozygotes.

Submission:

Labcorp Genetics (formerly Invitae), Labcorp
Classification: Uncertain significance for Cataract 1 multiple types. Last evaluated: 2020-12-03. Review status: criteria provided, single submitter. Criteria: Invitae Variant Classification Sherloc (09022015). Collection method: clinical testing. Allele origin: germline.
Comment: This sequence change replaces glutamine with arginine at codon 81 of the GJA8 protein (p.Gln81Arg). The glutamine residue is highly conserved and there is a small physicochemical difference between glutamine and arginine. This variant is not present in population databases (ExAC no frequency). This variant has not been reported in the literature in individuals with GJA8-related conditions. Algorithms developed to predict the effect of missense changes on protein structure and function (SIFT, PolyPhen-2, Align-GVGD) all suggest that this variant is likely to be disruptive, but these predictions have not been confirmed by published functional studies and their clinical significance is uncertain. In summary, the available evidence is currently insufficient to determine the role of this variant in disease. Therefore, it has been classified as a Variant of Uncertain Significance.

NM_005267.5(GJA8):c.242A>G (p.Gln81Arg)

Gene: GJA8 (gap junction protein alpha 8; plus strand). Cytogenetic location: 1q21.2.
Variant type: single nucleotide variant.
Coding change: c.242A>G on transcript NM_005267.5 (MANE Select); coding-DNA position 242, A replaced by G.
Protein change: p.Gln81Arg; replaces glutamine 81 with arginine.
Molecular consequence: missense variant.
Genome position (GRCh38, 1-based): chr1:147,908,197, A>G. VCF-style: chr1-147908197-A-G. GRCh37 (hg19) VCF-style: chr1-147380324-A-G.
Other names: short protein forms Q81R.
Identifiers: ClinVar variation 1490588 (VCV001490588.8), dbSNP rs2149015529, ClinGen allele CA342223657.